The following is an entry in ClinVar:

NM_001128840.3(CACNA1D):c.4792+10G>T

Gene: CACNA1D (calcium voltage-gated channel subunit alpha1 D; plus strand). Cytogenetic location: 3p21.1.
Variant type: single nucleotide variant.
Coding change: c.4792+10G>T on transcript NM_001128840.3 (MANE Select); 10 bases into the intron after coding-DNA position 4792, G replaced by T.
Molecular consequence: intron variant.
Genome position (GRCh38, 1-based): chr3:53,781,677, G>T. VCF-style: chr3-53781677-G-T. GRCh37 (hg19) VCF-style: chr3-53815704-G-T.
Other names: c.4747+10G>T (NM_001128839.3); c.4852+10G>T (NM_000720.4).
Identifiers: ClinVar variation 2017773 (VCV002017773.4), dbSNP rs750082546, ClinGen allele CA1365475569.

ClinVar aggregate classification (germline): Uncertain significance (1 of 4 stars; one submission).

Submission:

Labcorp Genetics (formerly Invitae), Labcorp
Classification: Uncertain significance. Last evaluated: 2022-07-19. Review status: criteria provided, single submitter. Criteria: Invitae Variant Classification Sherloc (09022015). Collection method: clinical testing. Allele origin: germline.
Comment: In summary, the available evidence is currently insufficient to determine the role of this variant in disease. Therefore, it has been classified as a Variant of Uncertain Significance. Algorithms developed to predict the effect of sequence changes on RNA splicing suggest that this variant may create or strengthen a splice site. This variant has not been reported in the literature in individuals affected with CACNA1D-related conditions. This variant is not present in population databases (gnomAD no frequency). This sequence change falls in intron 40 of the CACNA1D gene. It does not directly change the encoded amino acid sequence of the CACNA1D protein.